The following is an entry in ClinVar:

ClinVar aggregate classification (germline): Benign. Review status: criteria provided, multiple submitters, no conflicts (2 of 4 stars). 4 submissions from 4 submitters: Benign (3). 1 of the submissions does not count toward it. Last evaluated 2025-08-11.

Conditions:
Inborn genetic diseases. Identifiers: MedGen C0950123, MeSH D030342.
ARID1B-Related Disorder. Identifiers: MedGen CN381337.

Allele frequency attached by ClinVar (database versions not stated): TOPMed 0.00054; ESP Exome Variant Server 0.00100.
gnomAD v4.1: 131 of 1,614,052 alleles (0.0081%); highest among the groups gnomAD compares: African/African-American, 0.17%; no homozygotes.

Submissions (5):

Labcorp Genetics (formerly Invitae), Labcorp
Classification: Benign. Last evaluated: 2025-08-11. Review status: criteria provided, single submitter. Criteria: Invitae Variant Classification Sherloc (09022015). Collection method: clinical testing. Allele origin: germline.

GeneDx
Classification: Benign. Last evaluated: 2020-01-30. Review status: criteria provided, single submitter. Criteria: GeneDx Variant Classification Process June 2021. Collection method: clinical testing. Allele origin: germline. Affected: yes.

Ambry Genetics
Classification: Benign for Inborn genetic diseases. Last evaluated: 2019-04-22. Review status: criteria provided, single submitter. Criteria: Ambry Variant Classification Scheme 2023. Collection method: clinical testing. Allele origin: germline.

PreventionGenetics, part of Exact Sciences
Classification: Likely benign for ARID1B-related condition. Last evaluated: 2023-01-23. Review status: no assertion criteria provided. Collection method: clinical testing. Allele origin: germline. Not counted in ClinVar's aggregate classification.
Comment: This variant is classified as likely benign based on ACMG/AMP sequence variant interpretation guidelines (Richards et al. 2015 PMID: 25741868, with internal and published modifications).

Dr. Peter K. Rogan Lab, Western University
No classification provided (evidence only). Condition: Sarcoma. Review status: no classification provided. Collection method: in vitro. Allele origin: not applicable. Functional consequence: retained intron. Not counted in ClinVar's aggregate classification.

NM_001374828.1(ARID1B):c.1942C>A (p.Arg648=)

Gene: ARID1B (AT-rich interaction domain 1B; plus strand). Cytogenetic location: 6q25.3.
Variant type: single nucleotide variant.
Coding change: c.1942C>A on transcript NM_001374828.1 (MANE Select); coding-DNA position 1942, C replaced by A.
Protein change: p.Arg648=; no amino-acid change (arginine 648 retained).
Molecular consequence: synonymous variant.
Genome position (GRCh38, 1-based): chr6:156,829,377, C>A. VCF-style: chr6-156829377-C-A. GRCh37 (hg19) VCF-style: chr6-157150511-C-A.
Other names: c.1693C>A (NM_020732.3); c.1942C>A, p.Arg648= (NM_001371656.1, NM_001374820.1, NM_017519.3).
Identifiers: ClinVar variation 1178912 (VCV001178912.12), dbSNP rs143370913, ClinGen allele CA4066847.